The following is an entry in ClinVar:

ClinVar aggregate classification (germline): Pathogenic (1 of 4 stars; one submission).

Submission:

Labcorp Genetics (formerly Invitae), Labcorp
Classification: Pathogenic. Last evaluated: 2022-03-03. Review status: criteria provided, single submitter. Criteria: Invitae Variant Classification Sherloc (09022015). Collection method: clinical testing. Allele origin: germline.
Comment: This variant has not been reported in the literature in individuals affected with MESP2-related conditions. This variant is not present in population databases (gnomAD no frequency). This sequence change creates a premature translational stop signal (p.Gln3Serfs*117) in the MESP2 gene. It is expected to result in an absent or disrupted protein product. Loss-of-function variants in MESP2 are known to be pathogenic (PMID: 9242490, 18485326). For these reasons, this variant has been classified as Pathogenic.

Literature cited by the submitters: PubMed 9242490; PubMed 18485326.

NM_001039958.2(MESP2):c.7del (p.Gln3fs)

Gene: MESP2 (mesoderm posterior bHLH transcription factor 2; plus strand). Cytogenetic location: 15q26.1.
Variant type: Deletion.
Coding change: c.7del on transcript NM_001039958.2 (MANE Select); coding-DNA position 7, one base deleted (C; older notation c.7delC).
Protein change: p.Gln3fs; shifts the reading frame from glutamine 3.
Molecular consequence: frameshift variant.
Genome position (GRCh38, 1-based): chr15:89,776,364, C deleted; the last of 3 consecutive C bases (chr15:89,776,362-89,776,364); deleting any one gives the same sequence. VCF-style (leftmost placement, unchanged base first): chr15-89776361-GC-G. GRCh37 (hg19) VCF-style: chr15-90319592-GC-G.
Other names: short protein forms Q3fs.
Identifiers: ClinVar variation 2106318 (VCV002106318.4), dbSNP rs2505184483, ClinGen allele CA2580090210.
Genomic context (GRCh38, chr15:89,776,361, plus strand): 5'-ATAAAAGCTCAGGCCTGGAGGTGGCCAACCCAGCCTCCCAGAGCCTGCAGCCCGGCCATG[GC>G]CCAGTCGCCTCCTCCGCAGAGCCTCCTCGGCCACGACCACTGGATCTTCGCCCAGGGCTG-3'